The following is an entry in ClinVar:

ClinVar aggregate classification (germline): Benign/Likely benign. Review status: criteria provided, multiple submitters, no conflicts (2 of 4 stars). 3 submissions from 3 submitters: Benign (1); Likely benign (2). Last evaluated 2025-06-30.

Conditions:
Hypertrophic cardiomyopathy 14. Identifiers: MedGen C2750467, MONDO:0013197, OMIM 613251.
MYH6-related disorder. Also called: MYH6-Related Disorders; MYH6-related condition.

Submissions (3):

Labcorp Genetics (formerly Invitae), Labcorp
Classification: Benign for Hypertrophic cardiomyopathy 14. Last evaluated: 2025-06-30. Review status: criteria provided, single submitter. Criteria: Invitae Variant Classification Sherloc (09022015). Collection method: clinical testing. Allele origin: germline.

PreventionGenetics, part of Exact Sciences
Classification: Likely benign for MYH6-related condition. Last evaluated: 2025-06-27. Review status: criteria provided, single submitter. Criteria: ACMG Guidelines, 2015. Collection method: clinical testing. Allele origin: germline.
Comment: This variant is classified as likely benign based on ACMG/AMP sequence variant interpretation guidelines (Richards et al. 2015 PMID: 25741868, with internal and published modifications).

Women's Health and Genetics/Laboratory Corporation of America, LabCorp
Classification: Likely benign. Last evaluated: 2019-11-21. Review status: criteria provided, single submitter. Criteria: LabCorp Variant Classification Summary - May 2015. Collection method: clinical testing. Allele origin: germline.
Comment: Variant summary: MYH6 c.3979-9_3979-8dupCC alters multiple nucleotides in a repeat Cs region located close to a canonical splice site. 5/5 computational tools predict no significant impact on normal splicing. However, these predictions have yet to be confirmed by functional studies. The variant was absent in 139674 control chromosomes (gnomAD). The available data on variant occurrences in the general population are insufficient to allow any conclusion about variant significance. To our knowledge, no occurrence of c.3979-9_3979-8dupCC in individuals affected with Cardiomyopathy and no experimental evidence demonstrating its impact on protein function have been reported. No clinical diagnostic laboratories have submitted clinical-significance assessments for this variant to ClinVar after 2014. However, several del/dup variants have been found in this region and classified as benign/likely benign. Based on the evidence outlined above, the variant was classified as likely benign.

NM_002471.4(MYH6):c.3979-17_3979-16dup

Gene: MYH6 (myosin heavy chain 6; minus strand). Cytogenetic location: 14q11.2.
Variant type: Duplication.
Coding change: c.3979-17_3979-16dup on transcript NM_002471.4 (MANE Select); 17 bases into the intron before coding-DNA position 3979 through 16 bases into the intron before coding-DNA position 3979, 2 bases duplicated (CC; older notation c.3979-17_3979-16dupCC).
Molecular consequence: intron variant.
Genome position (GRCh38, 1-based): chr14:23,389,063-23,389,064, GG duplicated on the plus strand (CC on the coding strand, the reverse complement: MYH6 is on the minus strand); duplicating any 2 consecutive bases within chr14:23,389,063-23,389,072 gives the same sequence; the c. name uses the placement nearest the transcript's 3' end. VCF-style (leftmost placement, unchanged base first): chr14-23389062-A-AGG. GRCh37 (hg19) VCF-style: chr14-23858271-A-AGG.
Other names: c.3979-9_3979-8dupCC (NM_002471.3).
Identifiers: ClinVar variation 928727 (VCV000928727.6), dbSNP rs193922652, ClinGen allele CA257782636.